The following is an entry in ClinVar:

ClinVar aggregate classification (germline): Uncertain significance (1 of 4 stars; one submission).

Submission:

Labcorp Genetics (formerly Invitae), Labcorp
Classification: Uncertain significance. Last evaluated: 2022-08-21. Review status: criteria provided, single submitter. Criteria: Invitae Variant Classification Sherloc (09022015). Collection method: clinical testing. Allele origin: germline.
Comment: This variant is not present in population databases (gnomAD no frequency). In summary, the available evidence is currently insufficient to determine the role of this variant in disease. Therefore, it has been classified as a Variant of Uncertain Significance. Algorithms developed to predict the effect of missense changes on protein structure and function are either unavailable or do not agree on the potential impact of this missense change (SIFT: "Deleterious"; PolyPhen-2: "Probably Damaging"; Align-GVGD: "Class C0"). ClinVar contains an entry for this variant (Variation ID: 1432535). This variant has not been reported in the literature in individuals affected with LCA5-related conditions. This sequence change replaces glutamine, which is neutral and polar, with histidine, which is basic and polar, at codon 607 of the LCA5 protein (p.Gln607His).

NM_001122769.3(LCA5):c.1821G>T (p.Gln607His)

Gene: LCA5 (lebercilin LCA5; minus strand). Cytogenetic location: 6q14.1.
Variant type: single nucleotide variant.
Coding change: c.1821G>T on transcript NM_001122769.3 (MANE Select); coding-DNA position 1821, G replaced by T.
Protein change: p.Gln607His; replaces glutamine 607 with histidine.
Molecular consequence: missense variant.
Genome position (GRCh38, 1-based): chr6:79,487,277, C>A on the plus strand (G>T on the coding strand, the complement: LCA5 is on the minus strand). VCF-style: chr6-79487277-C-A. GRCh37 (hg19) VCF-style: chr6-80196994-C-A.
Other names: c.1821G>T, p.Gln607His (NM_181714.4); short protein forms Q607H.
Identifiers: ClinVar variation 1432535 (VCV001432535.8), dbSNP rs904450678, ClinGen allele CA141860200.